The following is an entry in ClinVar:

ClinVar aggregate classification (germline): Uncertain significance (1 of 4 stars; one submission).

Conditions:
Hereditary cancer-predisposing syndrome. Also called: Neoplastic Syndromes, Hereditary; Tumor predisposition; Hereditary Cancer Syndrome; Hereditary neoplastic syndrome. Identifiers: Orphanet 140162, MedGen C0027672, MeSH D009386, MONDO:0015356.

Submission:

Ambry Genetics
Classification: Uncertain significance for Hereditary cancer-predisposing syndrome. Last evaluated: 2025-09-12. Review status: criteria provided, single submitter. Criteria: Ambry Variant Classification Scheme 2023. Collection method: clinical testing. Allele origin: germline.
Comment: The p.S143F variant (also known as c.428C>T), located in coding exon 2 of the BLM gene, results from a C to T substitution at nucleotide position 428. The serine at codon 143 is replaced by phenylalanine, an amino acid with highly dissimilar properties. This amino acid position is conserved. In addition, the in silico prediction for this alteration is inconclusive. Based on the available evidence, the clinical significance of this variant remains unclear.

NM_000057.4(BLM):c.428C>T (p.Ser143Phe)

Gene: BLM (BLM RecQ like helicase; plus strand). Cytogenetic location: 15q26.1.
Variant type: single nucleotide variant.
Coding change: c.428C>T on transcript NM_000057.4 (MANE Select); coding-DNA position 428, C replaced by T.
Protein change: p.Ser143Phe; replaces serine 143 with phenylalanine.
Molecular consequence: missense variant. On other transcripts: 5 prime UTR variant (1).
Genome position (GRCh38, 1-based): chr15:90,749,696, C>T. VCF-style: chr15-90749696-C-T. GRCh37 (hg19) VCF-style: chr15-91292926-C-T.
Other names: c.428C>T, p.Ser143Phe (NM_001287246.2, NM_001287247.2); c.-864C>T (NM_001287248.2); short protein forms S143F.
Identifiers: ClinVar variation 4212185 (VCV004212185.1).